The following is an entry in ClinVar:

NM_024426.6(WT1):c.966-11T>C

Gene: WT1 (WT1 transcription factor; minus strand). Cytogenetic location: 11p13.
Variant type: single nucleotide variant.
Coding change: c.966-11T>C on transcript NM_024426.6 (MANE Select); 11 bases into the intron before coding-DNA position 966, T replaced by C.
Molecular consequence: intron variant.
Genome position (GRCh38, 1-based): chr11:32,416,551, A>G on the plus strand (T>C on the coding strand, the complement: WT1 is on the minus strand). VCF-style: chr11-32416551-A-G. GRCh37 (hg19) VCF-style: chr11-32438097-A-G.
Other names: c.842+1026T>C (NM_001407050.1); c.843-11T>C (NM_001407047.1); c.965+1026T>C (NM_001407048.1, NM_001407049.1, NM_000378.6 and 1 more transcripts); c.966-11T>C (NM_001407044.1, NM_001407046.1, NM_024424.5); c.204-11T>C (NM_001407051.1); c.314+1026T>C (NM_001198552.2); c.315-11T>C (NM_001198551.2).
Identifiers: ClinVar variation 3074163 (VCV003074163.1), dbSNP rs2494362766, ClinGen allele CA2612987154.
Genomic context (GRCh38, chr11:32,416,551, plus strand): 5'-TGCTCTGCCCTTCTGTCCATTTCACTGAGCTGGAGCTCCCAGCAGCAACTCTAGAAAAGA[A>G]GAAGAGGTGGGGAGTGGGGAATGGAGCATGCATGGATCTGGCAAGCCCCCCAGATCCCAG-3'

ClinVar aggregate classification (germline): Likely benign (1 of 4 stars; one submission).

Conditions:
Wilms tumor 1 (WT1). Also called: Wilms tumor, somatic. Identifiers: Orphanet 654, MedGen CN033288, MONDO:0008679, OMIM 194070.

gnomAD v4.1: 1 of 1,614,160 alleles (0.000062%); highest among the groups gnomAD compares: Non-Finnish European, 0.000085%; no homozygotes.

Submission:

All of Us Research Program, National Institutes of Health
Classification: Likely benign for Wilms tumor 1. Last evaluated: 2023-10-27. Review status: criteria provided, single submitter. Criteria: ACMG Guidelines, 2015. Collection method: clinical testing. Allele origin: germline. Inheritance: Autosomal dominant inheritance. Observed: 1 variant allele, 1 heterozygote.
Comment: This study involves interpretation of variants in research participants for the purpose of population health screening. Participant phenotype was not available at the time of variant classification. Additional details can be found in publication PMID: 35346344, PMCID: PMC8962531